The following is an entry in ClinVar:

NC_000005.9:g.(?_73981066)_(74017020_?)del

Gene: HEXB (hexosaminidase subunit beta; plus strand). Cytogenetic location: 5q13.3.
Variant type: Deletion.
Identifiers: ClinVar variation 1070612 (VCV001070612.1).

ClinVar aggregate classification (germline): Pathogenic (1 of 4 stars; one submission).

Conditions:
Sandhoff disease. Also called: Beta-hexosaminidase-beta-subunit deficiency; GM2 gangliosidosis, type 2; Total hexosaminidase deficiency; Sandhoff-Jatzkewitz-Pilz disease; GM2-GANGLIOSIDOSIS, TYPE II; HEXOSAMINIDASES A AND B DEFICIENCY. Identifiers: Orphanet 796, MedGen C0036161, MONDO:0010006, OMIM 268800.

Submission:

Labcorp Genetics (formerly Invitae), Labcorp
Classification: Pathogenic for Sandhoff disease. Last evaluated: 2020-08-08. Review status: criteria provided, single submitter. Criteria: Invitae Variant Classification Sherloc (09022015). Collection method: clinical testing. Allele origin: germline.
Comment: A gross deletion of the genomic region encompassing the full coding sequence of the HEXB gene has been identified. The boundaries of this event are unknown as the deletion extends beyond the assayed region for this gene and therefore may encompass additional genes. This variant has not been reported in the literature in individuals with HEXB-related conditions. Loss-of-function variants in HEXB are known to be pathogenic (PMID: 7550345, 18758829). For these reasons, this variant has been classified as Pathogenic.

Literature cited by the submitters: PubMed 7550345; PubMed 18758829.